The following is an entry in ClinVar:

NM_031407.7(HUWE1):c.8162G>A (p.Cys2721Tyr)

Gene: HUWE1 (HECT, UBA and WWE domain containing E3 ubiquitin protein ligase 1; minus strand). Cytogenetic location: Xp11.22.
Variant type: single nucleotide variant.
Coding change: c.8162G>A on transcript NM_031407.7 (MANE Select); coding-DNA position 8162, G replaced by A.
Protein change: p.Cys2721Tyr; replaces cysteine 2721 with tyrosine.
Molecular consequence: missense variant.
Genome position (GRCh38, 1-based): chrX:53,557,426, C>T on the plus strand (G>A on the coding strand, the complement: HUWE1 is on the minus strand). VCF-style: chrX-53557426-C-T. GRCh37 (hg19) VCF-style: chrX-53584387-C-T.
Other names: c.8162G>A (NM_031407.4); short protein forms C2721Y.
Identifiers: ClinVar variation 2979912 (VCV002979912.4), dbSNP rs1450720951, ClinGen allele CA413150862.

ClinVar aggregate classification (germline): Uncertain significance. Review status: criteria provided, multiple submitters, no conflicts (2 of 4 stars). 2 submissions from 2 submitters: Uncertain significance (2). Last evaluated 2025-03-17.

Allele frequency attached by ClinVar (database versions not stated): TOPMed below 0.00001.

Submissions (2):

GeneDx
Classification: Uncertain significance. Last evaluated: 2025-03-17. Review status: criteria provided, single submitter. Criteria: GeneDx Variant Classification Process June 2021. Collection method: clinical testing. Allele origin: germline. Affected: yes.
Comment: Not observed at significant frequency in large population cohorts (gnomAD); In silico analysis indicates that this missense variant does not alter protein structure/function; Has not been previously published as pathogenic or benign to our knowledge

Labcorp Genetics (formerly Invitae), Labcorp
Classification: Uncertain significance. Last evaluated: 2023-04-30. Review status: criteria provided, single submitter. Criteria: Invitae Variant Classification Sherloc (09022015). Collection method: clinical testing. Allele origin: germline.
Comment: This sequence change replaces cysteine, which is neutral and slightly polar, with tyrosine, which is neutral and polar, at codon 2721 of the HUWE1 protein (p.Cys2721Tyr). This variant is not present in population databases (gnomAD no frequency). This variant has not been reported in the literature in individuals affected with HUWE1-related conditions. An algorithm developed to predict the effect of missense changes on protein structure and function (PolyPhen-2) suggests that this variant is likely to be tolerated. In summary, the available evidence is currently insufficient to determine the role of this variant in disease. Therefore, it has been classified as a Variant of Uncertain Significance.